The following is an entry in ClinVar:

NM_000143.4(FH):c.1499G>T (p.Trp500Leu)

Gene: FH (fumarate hydratase; minus strand). Cytogenetic location: 1q43.
Variant type: single nucleotide variant.
Coding change: c.1499G>T on transcript NM_000143.4 (MANE Select); coding-DNA position 1499, G replaced by T.
Protein change: p.Trp500Leu; replaces tryptophan 500 with leucine.
Molecular consequence: missense variant.
Genome position (GRCh38, 1-based): chr1:241,497,862, C>A on the plus strand (G>T on the coding strand, the complement: FH is on the minus strand). VCF-style: chr1-241497862-C-A. GRCh37 (hg19) VCF-style: chr1-241661162-C-A.
Other names: short protein forms W500L.
Identifiers: ClinVar variation 5021736 (VCV005021736.1).

ClinVar aggregate classification (germline): Uncertain significance (1 of 4 stars; one submission).

Conditions:
Hereditary cancer-predisposing syndrome. Also called: Neoplastic Syndromes, Hereditary; Tumor predisposition; Hereditary neoplastic syndrome; Hereditary Cancer Syndrome. Identifiers: Orphanet 140162, MedGen C0027672, MeSH D009386, MONDO:0015356.

Submission:

Ambry Genetics
Classification: Uncertain significance for Hereditary cancer-predisposing syndrome. Last evaluated: 2026-07-06. Review status: criteria provided, single submitter. Criteria: Ambry Variant Classification Scheme 2023. Collection method: clinical testing. Allele origin: germline.
Comment: The p.W500L variant (also known as c.1499G>T), located in coding exon 10 of the FH gene, results from a G to T substitution at nucleotide position 1499. The tryptophan at codon 500 is replaced by leucine, an amino acid with similar properties. This amino acid position is conserved. In addition, this alteration is predicted to be deleterious by in silico analysis. Based on the available evidence, the clinical significance of this variant remains unclear.